The following is an entry in ClinVar:

ClinVar aggregate classification (germline): Benign. Review status: criteria provided, multiple submitters, no conflicts (2 of 4 stars). 6 submissions from 6 submitters: Benign (5). 1 of the submissions does not count toward it. Last evaluated 2026-02-04.

Conditions:
Cardiovascular phenotype. Identifiers: MedGen CN230736.
MYOM1-related disorder.
Hypertrophic cardiomyopathy. Also called: HYPERTROPHIC MYOCARDIOPATHY. Identifiers: Orphanet 217569, MedGen C0007194, MeSH D002312, MONDO:0005045, HP:0001639.

Allele frequency attached by ClinVar (database versions not stated): TOPMed 0.05308; gnomAD 0.05400 and 0.05579; ESP Exome Variant Server 0.05427; 1000 Genomes Project 30x 0.05091; 1000 Genomes Project 0.05212; gnomAD exomes 0.07103; ExAC 0.07287.

Submissions (6):

Labcorp Genetics (formerly Invitae), Labcorp
Classification: Benign for Hypertrophic cardiomyopathy. Last evaluated: 2026-02-04. Review status: criteria provided, single submitter. Criteria: Invitae Variant Classification Sherloc (09022015). Collection method: clinical testing. Allele origin: germline.

GeneDx
Classification: Benign. Last evaluated: 2018-09-06. Review status: criteria provided, single submitter. Criteria: GeneDx Variant Classification Process June 2021. Collection method: clinical testing. Allele origin: germline. Affected: yes.

Laboratory for Molecular Medicine, Mass General Brigham Personalized Medicine
Classification: Benign. Last evaluated: 2014-11-24. Review status: criteria provided, single submitter. Criteria: LMM Criteria. Collection method: clinical testing. Allele origin: germline. Observed: 63 variant alleles.
Comment: Asp1408Asn in exon 30 of MYOM1: This variant is not expected to have clinical si gnificance because it has been identified in 7.2% (588/8212) of European America n chromosomes from a broad population by the NHLBI Exome Sequencing Project (dbSNP rs3765623).

Ambry Genetics
Classification: Benign for Cardiovascular phenotype. Last evaluated: 2013-01-08. Review status: criteria provided, single submitter. Criteria: Ambry Autosomal Dominant and X-Linked criteria (10/2015). Collection method: clinical testing. Allele origin: germline. Observed: 1 variant allele.
Comment: General population or subpopulation frequency is too high to be a pathogenic mutation based on disease/syndrome prevalence and penetrance

Breakthrough Genomics
Classification: Benign. Review status: criteria provided, single submitter. Criteria: ACMG Guidelines, 2015. Collection method: not provided. Allele origin: germline. Inheritance: Unknown mechanism. Affected: yes.

PreventionGenetics, part of Exact Sciences
Classification: Benign for MYOM1-related condition. Last evaluated: 2019-10-22. Review status: no assertion criteria provided. Collection method: clinical testing. Allele origin: germline. Not counted in ClinVar's aggregate classification.
Comment: This variant is classified as benign based on ACMG/AMP sequence variant interpretation guidelines (Richards et al. 2015 PMID: 25741868, with internal and published modifications).

NM_003803.4(MYOM1):c.4222G>A (p.Asp1408Asn)

Gene: MYOM1 (myomesin 1; minus strand). Cytogenetic location: 18p11.31.
Variant type: single nucleotide variant.
Coding change: c.4222G>A on transcript NM_003803.4 (MANE Select); coding-DNA position 4222, G replaced by A.
Protein change: p.Asp1408Asn; replaces aspartic acid 1408 with asparagine.
Molecular consequence: missense variant.
Genome position (GRCh38, 1-based): chr18:3,086,067, C>T on the plus strand (G>A on the coding strand, the complement: MYOM1 is on the minus strand). VCF-style: chr18-3086067-C-T. GRCh37 (hg19) VCF-style: chr18-3086065-C-T.
Other names: c.3934G>A, p.Asp1312Asn (NM_019856.2); short protein forms D1408N, D1312N.
Identifiers: ClinVar variation 226822 (VCV000226822.21), dbSNP rs3765623, ClinGen allele CA8874015.